The following is an entry in ClinVar:

ClinVar aggregate classification (germline): Uncertain significance (1 of 4 stars; one submission).

Conditions:
Severe combined immunodeficiency due to DNA-PKcs deficiency. Also called: IMMUNODEFICIENCY 26 WITH NEUROLOGIC ABNORMALITIES; Immunodeficiency 26 with or without neurologic abnormalities. Identifiers: Orphanet 317425, MedGen C4014833, MONDO:0014423, OMIM 615966.

Allele frequency attached by ClinVar (database versions not stated): gnomAD 0.00001.
gnomAD v4.1: 6 of 1,613,178 alleles (0.00037%); highest among the groups gnomAD compares: South Asian, 0.0022%; no homozygotes.

Submission:

Labcorp Genetics (formerly Invitae), Labcorp
Classification: Uncertain significance for Severe combined immunodeficiency due to DNA-PKcs deficiency. Last evaluated: 2020-10-21. Review status: criteria provided, single submitter. Criteria: Invitae Variant Classification Sherloc (09022015). Collection method: clinical testing. Allele origin: germline.
Comment: This sequence change replaces arginine with histidine at codon 2911 of the PRKDC protein (p.Arg2911His). The arginine residue is moderately conserved and there is a small physicochemical difference between arginine and histidine. This variant is not present in population databases (ExAC no frequency). This variant has not been reported in the literature in individuals with PRKDC-related conditions. Experimental studies and prediction algorithms are not available or were not evaluated, and the functional significance of this variant is currently unknown. In summary, the available evidence is currently insufficient to determine the role of this variant in disease. Therefore, it has been classified as a Variant of Uncertain Significance.

NM_006904.7(PRKDC):c.8732G>A (p.Arg2911His)

Genes: PRKDC (protein kinase, DNA-activated, catalytic subunit; minus strand), LOC121740717 (Sharpr-MPRA regulatory region 7649; plus strand). Cytogenetic location: 8q11.21.
Variant type: single nucleotide variant.
Coding change: c.8732G>A on transcript NM_006904.7 (MANE Select); coding-DNA position 8732, G replaced by A.
Protein change: p.Arg2911His; replaces arginine 2911 with histidine.
Molecular consequence: missense variant.
Genome position (GRCh38, 1-based): chr8:47,826,707, C>T on the plus strand (G>A on the coding strand, the complement: PRKDC is on the minus strand). VCF-style: chr8-47826707-C-T. GRCh37 (hg19) VCF-style: chr8-48739268-C-T.
Other names: c.8732G>A, p.Arg2911His (NM_001081640.2); short protein forms R2911H.
Identifiers: ClinVar variation 1045434 (VCV001045434.4), dbSNP rs1439704999, ClinGen allele CA371143581.
Genomic context (GRCh38, chr8:47,826,707, plus strand): 5'-CACACTTACTTAGCAAGCTCCACCCATCTGAGGACATCAGGAGGGAGGCGGGCCTTCCCA[C>T]GGACTCGCTTGGCAGGCAGCTCAGCAGGCAGCAGGCGGAGCAGAGCCTCCTCTAGCAGGC-3'
Protein context (NP_008835.5, residues 2901-2921): LPAELPAKRV[Arg2911His]GKARLPPDVL